The following is an entry in ClinVar:

NM_005633.4(SOS1):c.1709C>T (p.Pro570Leu)

Gene: SOS1 (SOS Ras/Rac guanine nucleotide exchange factor 1; minus strand). Cytogenetic location: 2p22.1.
Variant type: single nucleotide variant.
Coding change: c.1709C>T on transcript NM_005633.4 (MANE Select); coding-DNA position 1709, C replaced by T.
Protein change: p.Pro570Leu; replaces proline 570 with leucine.
Molecular consequence: missense variant.
Genome position (GRCh38, 1-based): chr2:39,022,719, G>A on the plus strand (C>T on the coding strand, the complement: SOS1 is on the minus strand). VCF-style: chr2-39022719-G-A. GRCh37 (hg19) VCF-style: chr2-39249860-G-A.
Other names: c.1688C>T, p.Pro563Leu (NM_001382394.1); c.1709C>T, p.Pro570Leu (NM_001382395.1); short protein forms P563L, P570L.
Identifiers: ClinVar variation 1716017 (VCV001716017.6), dbSNP rs2529034770, ClinGen allele CA346365562.

ClinVar aggregate classification (germline): Conflicting classifications of pathogenicity. Review status: criteria provided, conflicting classifications (1 of 4 stars). 2 submissions from 2 submitters: Likely pathogenic (1); Uncertain significance (1). Last evaluated 2024-03-06.

Conditions:
Noonan syndrome 4 (NS4). Also called: SOS1-Related Noonan Syndrome; NOONAN SYNDROME WITH PIGMENTED VILLONODULAR SYNOVITIS. Identifiers: Orphanet 648, MedGen C1853120, MONDO:0012547, OMIM 610733.
RASopathy. Also called: Noonan spectrum disorder; rasopathies. Identifiers: Orphanet 536391, MedGen C5555857, MONDO:0021060.

Allele frequency attached by ClinVar (database versions not stated): gnomAD exomes below 0.00001.
gnomAD v4.1: 1 of 1,613,690 alleles (0.000062%); highest among the groups gnomAD compares: Non-Finnish European, 0.000085%; no homozygotes.

Submissions (2):

3billion
Classification: Likely pathogenic for Noonan syndrome 4. Last evaluated: 2024-03-06. Review status: criteria provided, single submitter. Criteria: ACMG Guidelines, 2015. Collection method: clinical testing. Allele origin: germline. Affected: yes.
Comment: The variant is not observed in the gnomAD v2.1.1 dataset. Predicted Consequence/Location: Missense changes are a common disease-causing mechanism. In silico tool predictions suggest damaging effect of the variant on gene or gene product [REVEL: 0.75 (>=0.6, sensitivity 0.68 and specificity 0.92); 3Cnet: 0.62 (>=0.6, sensitivity 0.72 and precision 0.9)]. Therefore, this variant is classified as Likely pathogenic according to the recommendation of ACMG/AMP guideline.

Labcorp Genetics (formerly Invitae), Labcorp
Classification: Uncertain significance for RASopathy. Last evaluated: 2022-08-10. Review status: criteria provided, single submitter. Criteria: Invitae Variant Classification Sherloc (09022015). Collection method: clinical testing. Allele origin: germline.
Comment: This sequence change replaces proline, which is neutral and non-polar, with leucine, which is neutral and non-polar, at codon 570 of the SOS1 protein (p.Pro570Leu). In summary, the available evidence is currently insufficient to determine the role of this variant in disease. Therefore, it has been classified as a Variant of Uncertain Significance. Advanced modeling of protein sequence and biophysical properties (such as structural, functional, and spatial information, amino acid conservation, physicochemical variation, residue mobility, and thermodynamic stability) performed at Invitae indicates that this missense variant is expected to disrupt SOS1 protein function. This variant has not been reported in the literature in individuals affected with SOS1-related conditions. This variant is not present in population databases (gnomAD no frequency).